The following is an entry in ClinVar:

ClinVar aggregate classification (germline): Uncertain significance (1 of 4 stars; one submission).

Conditions:
Primary ciliary dyskinesia. Also called: Ciliary dyskinesia. Identifiers: Orphanet 244, MedGen C0008780, MONDO:0016575, HP:0012265.

Allele frequency attached by ClinVar (database versions not stated): ExAC 0.00003; gnomAD 0.00003; gnomAD exomes 0.00004; TOPMed 0.00005.
gnomAD v4.1: 144 of 1,613,746 alleles (0.0089%); highest among the groups gnomAD compares: Non-Finnish European, 0.012%; no homozygotes.

Submission:

Labcorp Genetics (formerly Invitae), Labcorp
Classification: Uncertain significance for Primary ciliary dyskinesia. Last evaluated: 2022-02-05. Review status: criteria provided, single submitter. Criteria: Invitae Variant Classification Sherloc (09022015). Collection method: clinical testing. Allele origin: germline.
Comment: This sequence change replaces valine, which is neutral and non-polar, with glycine, which is neutral and non-polar, at codon 20 of the DNAAF3 protein (p.Val20Gly). This variant is present in population databases (rs760790026, gnomAD 0.009%). This variant has not been reported in the literature in individuals affected with DNAAF3-related conditions. ClinVar contains an entry for this variant (Variation ID: 238687). Algorithms developed to predict the effect of missense changes on protein structure and function output the following: SIFT: "Deleterious"; PolyPhen-2: "Benign"; Align-GVGD: "Class C0". The glycine amino acid residue is found in multiple mammalian species, which suggests that this missense change does not adversely affect protein function. In summary, the available evidence is currently insufficient to determine the role of this variant in disease. Therefore, it has been classified as a Variant of Uncertain Significance.

NM_001256715.2(DNAAF3):c.-72T>G

Genes: DNAAF3 (dynein axonemal assembly factor 3; minus strand), DNAAF3-AS1 (DNAAF3 antisense RNA 1; plus strand). Cytogenetic location: 19q13.42.
Variant type: single nucleotide variant.
Coding change: c.-72T>G on transcript NM_001256715.2 (MANE Select); 72 bases upstream of the start codon, T replaced by G.
Molecular consequence: 5 prime UTR variant. On other transcripts: missense variant (2).
Genome position (GRCh38, 1-based): chr19:55,166,590, A>C on the plus strand (T>G on the coding strand, the complement: DNAAF3 is on the minus strand). VCF-style: chr19-55166590-A-C. GRCh37 (hg19) VCF-style: chr19-55677958-A-C.
Other names: c.59T>G, p.Val20Gly (NM_001256714.1, NM_178837.4); c.-321T>G (NM_001256716.2); short protein forms V20G.
Identifiers: ClinVar variation 238687 (VCV000238687.8), dbSNP rs760790026, ClinGen allele CA9668319.